The following is an entry in ClinVar:

NM_001807.6(CEL):c.1804C>G (p.Pro602Ala)

Gene: CEL (carboxyl ester lipase; plus strand). Cytogenetic location: 9q34.13.
Variant type: single nucleotide variant.
Coding change: c.1804C>G on transcript NM_001807.6 (MANE Select); coding-DNA position 1804, C replaced by G.
Protein change: p.Pro602Ala; replaces proline 602 with alanine.
Molecular consequence: missense variant.
Genome position (GRCh38, 1-based): chr9:133,071,306, C>G. VCF-style: chr9-133071306-C-G. GRCh37 (hg19) VCF-style: chr9-135946693-C-G.
Other names: short protein forms P602A.
Identifiers: ClinVar variation 3771080 (VCV003771080.13).

ClinVar aggregate classification (germline): Benign (1 of 4 stars; one submission).

Submission:

CeGaT Center for Human Genetics Tuebingen
Classification: Benign. Last evaluated: 2025-12-01. Review status: criteria provided, single submitter. Criteria: CeGaT Center For Human Genetics Tuebingen Variant Classification Criteria Version 2. Collection method: clinical testing. Allele origin: germline. Affected: yes. Observed: 2 variant alleles.
Comment: CEL: BS1, BS2